The following is an entry in ClinVar:

NM_013275.6(ANKRD11):c.6823G>A (p.Ala2275Thr)

Gene: ANKRD11 (ankyrin repeat domain 11; minus strand). Cytogenetic location: 16q24.3.
Variant type: single nucleotide variant.
Coding change: c.6823G>A on transcript NM_013275.6 (MANE Select); coding-DNA position 6823, G replaced by A.
Protein change: p.Ala2275Thr; replaces alanine 2275 with threonine.
Molecular consequence: missense variant.
Genome position (GRCh38, 1-based): chr16:89,279,719, C>T on the plus strand (G>A on the coding strand, the complement: ANKRD11 is on the minus strand). VCF-style: chr16-89279719-C-T. GRCh37 (hg19) VCF-style: chr16-89346127-C-T.
Other names: c.6823G>A (NM_013275.5); c.6823G>A, p.Ala2275Thr (NM_001256182.2, NM_001256183.2); short protein forms A2275T.
Identifiers: ClinVar variation 2883498 (VCV002883498.5), dbSNP rs750990942, ClinGen allele CA8241326.

ClinVar aggregate classification (germline): Likely benign. Review status: criteria provided, multiple submitters, no conflicts (2 of 4 stars). 3 submissions from 3 submitters: Likely benign (2). 1 of the submissions does not count toward it. Last evaluated 2024-07-03.

Conditions:
ANKRD11-related disorder. Also called: ANKRD11-related condition.
KBG syndrome (KBGS). Also called: ANKRD11-Related KBG Syndrome. Identifiers: Orphanet 2332, MedGen C0220687, MONDO:0007846, OMIM 148050.

Allele frequency attached by ClinVar (database versions not stated): gnomAD 0.00002; ExAC 0.00078.
gnomAD v4.1: 52 of 1,532,890 alleles (0.0034%); highest among the groups gnomAD compares: South Asian, 0.045%; no homozygotes.

Submissions (3):

Labcorp Genetics (formerly Invitae), Labcorp
Classification: Likely benign for KBG syndrome. Last evaluated: 2024-07-03. Review status: criteria provided, single submitter. Criteria: Invitae Variant Classification Sherloc (09022015). Collection method: clinical testing. Allele origin: germline.

Dr.Nikuei Genetic Center
Classification: Likely benign for KBG syndrome. Last evaluated: 2024-06-27. Review status: criteria provided, single submitter. Criteria: ACMG Guidelines, 2015. Collection method: clinical testing. Allele origin: germline. Affected: no.

PreventionGenetics, part of Exact Sciences
Classification: Uncertain significance for ANKRD11-related condition. Last evaluated: 2024-08-17. Review status: no assertion criteria provided. Collection method: clinical testing. Allele origin: germline. Not counted in ClinVar's aggregate classification.
Comment: The ANKRD11 c.6823G>A variant is predicted to result in the amino acid substitution p.Ala2275Thr. To our knowledge, this variant has not been reported in the literature. This variant is reported in 0.039% of alleles in individuals of South Asian descent in gnomAD. Although we suspect that this variant may be benign, at this time, the clinical significance of this variant is uncertain due to the absence of conclusive functional and genetic evidence.